The following is an entry in ClinVar:

ClinVar aggregate classification (germline): Benign/Likely benign. Review status: criteria provided, multiple submitters, no conflicts (2 of 4 stars). 3 submissions from 3 submitters: Benign (1); Likely benign (2). Last evaluated 2025-09-30.

Conditions:
Hereditary cancer-predisposing syndrome. Also called: Tumor predisposition; Hereditary neoplastic syndrome; Hereditary Cancer Syndrome; Neoplastic Syndromes, Hereditary. Identifiers: Orphanet 140162, MedGen C0027672, MeSH D009386, MONDO:0015356.
Multiple endocrine neoplasia, type 2 (MEN2). Identifiers: Orphanet 653, MedGen C4048306, MONDO:0019003. Disease mechanism: gain of function.
Multiple endocrine neoplasia type 2A. Also called: MULTIPLE ENDOCRINE NEOPLASIA, TYPE IIA; PTC SYNDROME; SIPPLE SYNDROME; MEN 2A; MEN-2A syndrome; Pheochromocytoma and amyloid producing medullary thyroid carcinoma. Identifiers: Orphanet 247698, Orphanet 653, MedGen C0025268, MeSH D018813, MONDO:0008234, OMIM 171400.

Allele frequency attached by ClinVar (database versions not stated): TOPMed below 0.00001.

Submissions (3):

Labcorp Genetics (formerly Invitae), Labcorp
Classification: Likely benign for Multiple endocrine neoplasia, type 2. Last evaluated: 2025-09-30. Review status: criteria provided, single submitter. Criteria: Invitae Variant Classification Sherloc (09022015). Collection method: clinical testing. Allele origin: germline.

Myriad Genetics, Inc.
Classification: Benign for Multiple endocrine neoplasia type 2A. Last evaluated: 2025-02-25. Review status: criteria provided, single submitter. Criteria: Myriad Autosomal Dominant, Autosomal Recessive and X-Linked Classification Criteria (2023). Collection method: clinical testing. Allele origin: unknown.
Comment: This variant is considered benign. This variant is a silent/synonymous amino acid change and it is not expected to impact splicing.

Ambry Genetics
Classification: Likely benign for Hereditary cancer-predisposing syndrome. Last evaluated: 2022-04-26. Review status: criteria provided, single submitter. Criteria: Ambry Variant Classification Scheme 2023. Collection method: clinical testing. Allele origin: germline.

NM_020975.6(RET):c.1590G>A (p.Glu530=)

Gene: RET (ret proto-oncogene; plus strand). Cytogenetic location: 10q11.21.
Variant type: single nucleotide variant.
Coding change: c.1590G>A on transcript NM_020975.6 (MANE Select); coding-DNA position 1590, G replaced by A.
Protein change: p.Glu530=; no amino-acid change (glutamic acid 530 retained).
Molecular consequence: synonymous variant.
Genome position (GRCh38, 1-based): chr10:43,112,166, G>A. VCF-style: chr10-43112166-G-A. GRCh37 (hg19) VCF-style: chr10-43607614-G-A.
Other names: c.1590G>A, p.Glu530= (NM_000323.2, NM_001406743.1, NM_001406744.1 and 6 more transcripts); c.828G>A, p.Glu276= (NM_001355216.2); c.1461G>A, p.Glu487= (NM_001406761.1, NM_001406762.1, NM_001406764.1 and 1 more transcripts); c.1302G>A, p.Glu434= (NM_001406766.1, NM_001406767.1, NM_001406770.1); c.1194G>A, p.Glu398= (NM_001406769.1, NM_001406772.1); c.1152G>A, p.Glu384= (NM_001406771.1, NM_001406773.1); c.1065G>A, p.Glu355= (NM_001406774.1); c.864G>A, p.Glu288= (NM_001406775.1, NM_001406776.1, NM_001406777.1 and 1 more transcripts); and 5 more.
Identifiers: ClinVar variation 793078 (VCV000793078.15), dbSNP rs1226909381, ClinGen allele CA469027641.